The following is an entry in ClinVar:

ClinVar aggregate classification (germline): Uncertain significance (1 of 4 stars; one submission).

Conditions:
Multiple endocrine neoplasia, type 1 (MEN1). Also called: MEN I; WERMER SYNDROME; Endocrine adenomatosis multiple; MEN 1; MEA I. Identifiers: Orphanet 652, MedGen C0025267, MeSH D018761, MONDO:0007540, OMIM 131100.

Submission:

Labcorp Genetics (formerly Invitae), Labcorp
Classification: Uncertain significance for Multiple endocrine neoplasia, type 1. Last evaluated: 2023-02-18. Review status: criteria provided, single submitter. Criteria: Invitae Variant Classification Sherloc (09022015). Collection method: clinical testing. Allele origin: germline.
Comment: In summary, the available evidence is currently insufficient to determine the role of this variant in disease. Therefore, it has been classified as a Variant of Uncertain Significance. Advanced modeling of protein sequence and biophysical properties (such as structural, functional, and spatial information, amino acid conservation, physicochemical variation, residue mobility, and thermodynamic stability) performed at Invitae indicates that this missense variant is expected to disrupt MEN1 protein function. This variant has not been reported in the literature in individuals affected with MEN1-related conditions. This variant is not present in population databases (gnomAD no frequency). This sequence change replaces arginine, which is basic and polar, with proline, which is neutral and non-polar, at codon 14 of the MEN1 protein (p.Arg14Pro).

NM_001370259.2(MEN1):c.41G>C (p.Arg14Pro)

Gene: MEN1 (menin 1; minus strand). Cytogenetic location: 11q13.1.
Variant type: single nucleotide variant.
Coding change: c.41G>C on transcript NM_001370259.2 (MANE Select); coding-DNA position 41, G replaced by C.
Protein change: p.Arg14Pro; replaces arginine 14 with proline.
Molecular consequence: missense variant. On other transcripts: non-coding transcript variant (4).
Genome position (GRCh38, 1-based): chr11:64,810,069, C>G on the plus strand (G>C on the coding strand, the complement: MEN1 is on the minus strand). VCF-style: chr11-64810069-C-G. GRCh37 (hg19) VCF-style: chr11-64577541-C-G.
Other names: c.41G>C, p.Arg14Pro (NM_000244.4, NM_001370251.2, NM_001370260.2 and 20 more transcripts); short protein forms R14P.
Identifiers: ClinVar variation 2838578 (VCV002838578.3), dbSNP rs2136195966, ClinGen allele CA381188202.
Genomic context (GRCh38, chr11:64,810,069, plus strand): 5'-AGGTCCGGCTCCTCTCGGCCCAGCTCGGCAGCAAACAGGCGCACCACGTCGTCGATGGAG[C>G]GCAGCGGGAACAGCGTCTTCTGGGCGGCCTTCAGCCCCATGGCGGCGGGCGGTGGGCGGC-3'
Protein context (NP_001357188.2, residues 4-24): KAAQKTLFPL[Arg14Pro]SIDDVVRLFA